The following is an entry in ClinVar:

NM_053025.4(MYLK):c.1438A>G (p.Arg480Gly)

Gene: MYLK (myosin light chain kinase; minus strand). Cytogenetic location: 3q21.1.
Variant type: single nucleotide variant.
Coding change: c.1438A>G on transcript NM_053025.4 (MANE Select); coding-DNA position 1438, A replaced by G.
Protein change: p.Arg480Gly; replaces arginine 480 with glycine.
Molecular consequence: missense variant. On other transcripts: intron variant (2).
Genome position (GRCh38, 1-based): chr3:123,732,974, T>C on the plus strand (A>G on the coding strand, the complement: MYLK is on the minus strand). VCF-style: chr3-123732974-T-C. GRCh37 (hg19) VCF-style: chr3-123451821-T-C.
Other names: c.910A>G, p.Arg304Gly (NM_001321309.2); c.1438A>G, p.Arg480Gly (NM_053027.4); c.1309+713A>G (NM_053028.4, NM_053026.4); short protein forms R480G, R304G.
Identifiers: ClinVar variation 1382793 (VCV001382793.5), dbSNP rs768369156, ClinGen allele CA067091.

ClinVar aggregate classification (germline): Uncertain significance (1 of 4 stars; one submission).

Conditions:
Aortic aneurysm, familial thoracic 7 (AAT7). Also called: AORTIC DISSECTION, FAMILIAL, WITH OR WITHOUT AORTIC ANEURYSM. Identifiers: MedGen C3151077, MONDO:0013418, OMIM 613780.

Allele frequency attached by ClinVar (database versions not stated): ExAC 0.00001; gnomAD exomes 0.00001 and 0.00002.
gnomAD v4.1: 23 of 1,614,220 alleles (0.0014%); highest among the groups gnomAD compares: East Asian, 0.0045%; no homozygotes.

Submission:

Labcorp Genetics (formerly Invitae), Labcorp
Classification: Uncertain significance for Aortic aneurysm, familial thoracic 7. Last evaluated: 2021-08-27. Review status: criteria provided, single submitter. Criteria: Invitae Variant Classification Sherloc (09022015). Collection method: clinical testing. Allele origin: germline.
Comment: This sequence change replaces arginine with glycine at codon 480 of the MYLK protein (p.Arg480Gly). The arginine residue is highly conserved and there is a moderate physicochemical difference between arginine and glycine. This variant is present in population databases (rs768369156, ExAC 0.002%). This variant has not been reported in the literature in individuals affected with MYLK-related conditions. Advanced modeling of protein sequence and biophysical properties (such as structural, functional, and spatial information, amino acid conservation, physicochemical variation, residue mobility, and thermodynamic stability) performed at Invitae indicates that this missense variant is not expected to disrupt MYLK protein function. In summary, the available evidence is currently insufficient to determine the role of this variant in disease. Therefore, it has been classified as a Variant of Uncertain Significance.